The following is an entry in ClinVar:

NM_001163560.3(MEIOB):c.673C>T (p.Arg225Ter)

Gene: MEIOB (meiosis specific with OB-fold; minus strand). Cytogenetic location: 16p13.3.
Variant type: single nucleotide variant.
Coding change: c.673C>T on transcript NM_001163560.3 (MANE Select); coding-DNA position 673, C replaced by T.
Protein change: p.Arg225Ter; replaces arginine 225 with a stop codon.
Molecular consequence: nonsense.
Genome position (GRCh38, 1-based): chr16:1,853,228, G>A on the plus strand (C>T on the coding strand, the complement: MEIOB is on the minus strand). VCF-style: chr16-1853228-G-A. GRCh37 (hg19) VCF-style: chr16-1903229-G-A.
Other names: c.673C>T, p.Arg225Ter (NM_152764.3); short protein forms R225*.
Identifiers: ClinVar variation 4849218 (VCV004849218.1).

ClinVar aggregate classification (germline): Pathogenic (1 of 4 stars; one submission).

Conditions:
Spermatogenic failure 22. Identifiers: MedGen C4540179, MONDO:0054726, OMIM 617706.

gnomAD v4.1: 16 of 1,551,930 alleles (0.001%); highest among the groups gnomAD compares: Non-Finnish European, 0.0013%; no homozygotes.

Submission:

MVZ Medizinische Genetik Mainz
Classification: Pathogenic for Spermatogenic failure 22. Last evaluated: 2026-04-01. Review status: criteria provided, single submitter. Criteria: UK Practice Guidelines For Variant Classification V4 01 2020. Collection method: clinical testing. Allele origin: germline. Inheritance: Autosomal recessive inheritance. Affected: yes. Observed: 1 variant allele.
Comment: ACMG Criteria: PVS1,PM3_SUP,PM2_SUP